The following is an entry in ClinVar:

ClinVar aggregate classification (germline): Pathogenic (1 of 4 stars; one submission).

Allele frequency attached by ClinVar (database versions not stated): gnomAD 0.00001.
gnomAD v4.1: 1 of 1,614,098 alleles (0.000062%); highest among the groups gnomAD compares: African/African-American, 0.0013%; no homozygotes.

Submission:

Labcorp Genetics (formerly Invitae), Labcorp
Classification: Pathogenic. Last evaluated: 2022-08-30. Review status: criteria provided, single submitter. Criteria: Invitae Variant Classification Sherloc (09022015). Collection method: clinical testing. Allele origin: germline.
Comment: This variant disrupts the p.Ser1789 amino acid residue in ABCA4. Other variant(s) that disrupt this residue have been observed in individuals with ABCA4-related conditions (PMID: 29641573; Invitae), which suggests that this may be a clinically significant amino acid residue. For these reasons, this variant has been classified as Pathogenic. Advanced modeling of protein sequence and biophysical properties (such as structural, functional, and spatial information, amino acid conservation, physicochemical variation, residue mobility, and thermodynamic stability) performed at Invitae indicates that this missense variant is expected to disrupt ABCA4 protein function. This sequence change replaces serine, which is neutral and polar, with asparagine, which is neutral and polar, at codon 1789 of the ABCA4 protein (p.Ser1789Asn). This variant is not present in population databases (gnomAD no frequency). This missense change has been observed in individual(s) with ABCA4-related conditions (Invitae).

Literature cited by the submitters: PubMed 29641573.

NM_000350.3(ABCA4):c.5366G>A (p.Ser1789Asn)

Gene: ABCA4 (ATP binding cassette subfamily A member 4; minus strand). Cytogenetic location: 1p22.1.
Variant type: single nucleotide variant.
Coding change: c.5366G>A on transcript NM_000350.3 (MANE Select); coding-DNA position 5366, G replaced by A.
Protein change: p.Ser1789Asn; replaces serine 1789 with asparagine.
Molecular consequence: missense variant.
Genome position (GRCh38, 1-based): chr1:94,014,637, C>T on the plus strand (G>A on the coding strand, the complement: ABCA4 is on the minus strand). VCF-style: chr1-94014637-C-T. GRCh37 (hg19) VCF-style: chr1-94480193-C-T.
Other names: c.5144G>A, p.Ser1715Asn (NM_001425324.1); short protein forms S1789N, S1715N.
Identifiers: ClinVar variation 2027960 (VCV002027960.4), dbSNP rs1659672730, ClinGen allele CA341281428.
Genomic context (GRCh38, chr1:94,014,637, plus strand): 5'-ATAGCACTGCTGTTGATGCCGATGAACAGATTAGCACAAGATAAAGCCACATAGGCTGTG[C>T]TGGGGACATCAAACAGGAAGGATGCTGGGTACATCATGGGAATGACCGCCCATCTGTGTG-3'
Protein context (NP_000341.2, residues 1779-1799): YPASFLFDVP[Ser1789Asn]TAYVALSCAN